The following is an entry in ClinVar:

NC_000017.10:g.(?_3539712)_(3552235_?)del

Gene: CTNS (cystinosin, lysosomal cystine transporter; plus strand). Cytogenetic location: 17p13.2.
Variant type: Deletion.
Identifiers: ClinVar variation 1069680 (VCV001069680.2).

ClinVar aggregate classification (germline): Pathogenic (1 of 4 stars; one submission).

Conditions:
Juvenile nephropathic cystinosis. Also called: Intermediate Cystinosis; CYSTINOSIS, LATE-ONSET JUVENILE OR ADOLESCENT NEPHROPATHIC TYPE; Later-Onset (Juvenile) Cystinosis. Identifiers: Orphanet 213, Orphanet 411634, MedGen C0268626, MONDO:0009066, OMIM 219900.
Inborn genetic diseases. Identifiers: MedGen C0950123, MeSH D030342.
Ocular cystinosis. Also called: Non-Nephropathic Cystinosis; Non-Nephropathic (Ocular) Cystinosis. Identifiers: Orphanet 213, Orphanet 411641, MedGen C2931013, MONDO:0009064, OMIM 219750.

Submission:

Labcorp Genetics (formerly Invitae), Labcorp
Classification: Pathogenic for Inborn genetic diseases; Ocular cystinosis; Juvenile nephropathic cystinosis. Last evaluated: 2021-10-13. Review status: criteria provided, single submitter. Criteria: Invitae Variant Classification Sherloc (09022015). Collection method: clinical testing. Allele origin: germline.
Comment: This variant is a gross deletion of the genomic region encompassing exon(s) 1-5 of the CTNS gene, which includes the initiator codon. This deletion extends beyond the assayed region for this gene and therefore may encompass additional genes. It is expected to result in an absent or disrupted protein product. Loss-of-function variants in CTNS are known to be pathogenic (PMID: 9537412, 27102039). This variant has not been reported in the literature in individuals affected with CTNS-related conditions. For these reasons, this variant has been classified as Pathogenic.

Literature cited by the submitters: PubMed 9537412; PubMed 27102039.